The following is an entry in ClinVar:

ClinVar aggregate classification (germline): Uncertain significance (1 of 4 stars; one submission).

Conditions:
Hypercholesterolemia, autosomal dominant, 3 (FHCL3). Also called: Familial Hypercholesterolemia, Autosomal Dominant, 3; PCSK9-Related Familial Hypercholesterolemia, Autosomal Dominant; Familial hypercholesterolemia 3. Identifiers: MedGen C1863551, MONDO:0011369, OMIM 603776.

gnomAD v4.1: 2 of 1,551,354 alleles (0.00013%); highest among the groups gnomAD compares: Non-Finnish European, 0.00017%; no homozygotes.

Submission:

All of Us Research Program, National Institutes of Health
Classification: Uncertain significance for Hypercholesterolemia, autosomal dominant, 3. Last evaluated: 2023-11-20. Review status: criteria provided, single submitter. Criteria: ACMG Guidelines, 2015. Collection method: clinical testing. Allele origin: germline. Inheritance: Autosomal dominant inheritance. Observed: 1 variant allele, 1 heterozygote.
Comment: This missense variant replaces histidine with aspartic acid at codon 553 of the PCSK9 protein. Computational prediction suggests that this variant may not impact protein structure and function (internally defined REVEL score threshold <= 0.5, PMID: 27666373). To our knowledge, functional studies have not been reported for this variant. This variant has not been reported in individuals affected with PCSK9-related disorders in the literature. This variant has not been identified in the general population by the Genome Aggregation Database (gnomAD). The available evidence is insufficient to determine the role of this variant in disease conclusively. Therefore, this variant is classified as a Variant of Uncertain Significance.

This study involves interpretation of variants in research participants for the purpose of population health screening. Participant phenotype was not available at the time of variant classification. Additional details can be found in publication PMID: 35346344, PMCID: PMC8962531

NM_174936.4(PCSK9):c.1657C>G (p.His553Asp)

Gene: PCSK9 (proprotein convertase subtilisin/kexin type 9; plus strand). Cytogenetic location: 1p32.3.
Variant type: single nucleotide variant.
Coding change: c.1657C>G on transcript NM_174936.4 (MANE Select); coding-DNA position 1657, C replaced by G.
Protein change: p.His553Asp; replaces histidine 553 with aspartic acid.
Molecular consequence: missense variant. On other transcripts: non-coding transcript variant (7), intron variant (1).
Genome position (GRCh38, 1-based): chr1:55,059,639, C>G. VCF-style: chr1-55059639-C-G. GRCh37 (hg19) VCF-style: chr1-55525312-C-G.
Other names: c.1780C>G, p.His594Asp (NM_001407240.1); c.1699C>G, p.His567Asp (NM_001407241.1); c.1660C>G, p.His554Asp (NM_001407242.1); c.1600C>G, p.His534Asp (NM_001407243.1); c.1483C>G, p.His495Asp (NM_001407244.1); c.1465C>G, p.His489Asp (NM_001407245.1); c.1282C>G, p.His428Asp (NM_001407246.1); c.1181-1736C>G (NM_001407247.1); short protein forms H428D, H489D, H495D, H534D, H553D, H554D, H567D, H594D.
Identifiers: ClinVar variation 3074653 (VCV003074653.1), dbSNP rs1405615512, ClinGen allele CA340480075.